The following is an entry in ClinVar:

NM_024685.4(BBS10):c.1202G>A (p.Gly401Glu)

Gene: BBS10 (Bardet-Biedl syndrome 10; minus strand). Cytogenetic location: 12q21.2.
Variant type: single nucleotide variant.
Coding change: c.1202G>A on transcript NM_024685.4 (MANE Select); coding-DNA position 1202, G replaced by A.
Protein change: p.Gly401Glu; replaces glycine 401 with glutamic acid.
Molecular consequence: missense variant.
Genome position (GRCh38, 1-based): chr12:76,346,783, C>T on the plus strand (G>A on the coding strand, the complement: BBS10 is on the minus strand). VCF-style: chr12-76346783-C-T. GRCh37 (hg19) VCF-style: chr12-76740563-C-T.
Other names: BBS10 p.G401E; c.1202G>A, p.Gly401Glu (LRG_1255t1); short protein forms G401E.
Identifiers: ClinVar variation 68063 (VCV000068063.5), dbSNP rs199474722, ClinGen allele CA265990.

ClinVar aggregate classification (germline): Likely pathogenic. Review status: criteria provided, multiple submitters, no conflicts (2 of 4 stars). 3 submissions from 2 submitters: Likely pathogenic (2). 1 of the submissions does not count toward it. Last evaluated 2024-02-01.

Conditions:
Bardet-Biedl syndrome (BBS). Identifiers: Orphanet 110, MedGen C0752166, MONDO:0015229.
Bardet-Biedl syndrome 10 (BBS10). Identifiers: Orphanet 110, MedGen C1859568, MONDO:0014438, OMIM 615987.

Submissions (3):

Neuberg Centre For Genomic Medicine, NCGM
Classification: Likely pathogenic for Bardet-Biedl syndrome 10. Last evaluated: 2024-02-01. Review status: criteria provided, single submitter. Criteria: ACMG Guidelines, 2015. Collection method: clinical testing. Allele origin: germline. Inheritance: Autosomal recessive inheritance.
Comment: The missense variant c.1202G>A (Gly401Glu) in BBS10 gene has not been reported previously as a pathogenic variant nor as a benign variant, to our knowledge.

SN ONGC Dept of Genetics and Molecular biology Vision Research Foundation
Classification: Likely pathogenic for Bardet-Biedl syndrome. Last evaluated: 2023-06-02. Review status: criteria provided, single submitter. Criteria: ACMG Guidelines, 2015. Collection method: research. Allele origin: biparental. Affected: yes.

SN ONGC Dept of Genetics and Molecular biology Vision Research Foundation
Classification: Pathogenic. Review status: no assertion criteria provided. Collection method: not provided. Allele origin: germline. Not counted in ClinVar's aggregate classification.
Comment: The parents were heterozygous carriers and the mutation co-segregate with the disease. The mutation was not found in 188 normal chromosomes.
ClinVar note: Converted during submission from pathogenic to Pathogenic.